The following is an entry in ClinVar:

NM_001321278.2(TSEN2):c.1385C>T (p.Ser462Leu)

Gene: TSEN2 (tRNA splicing endonuclease subunit 2; plus strand). Cytogenetic location: 3p25.2.
Variant type: single nucleotide variant.
Coding change: c.1385C>T on transcript NM_001321278.2; coding-DNA position 1385, C replaced by T.
Protein change: p.Ser462Leu; replaces serine 462 with leucine.
Molecular consequence: missense variant. On other transcripts: non-coding transcript variant (1).
Genome position (GRCh38, 1-based): chr3:12,539,207, C>T. VCF-style: chr3-12539207-C-T. GRCh37 (hg19) VCF-style: chr3-12580706-C-T.
Other names: short protein forms S462L.
Identifiers: ClinVar variation 4085018 (VCV004085018.8).
Genomic context (GRCh38, chr3:12,539,207, plus strand): 5'-TTCTTGTGATGTAGTCTCGCTCTGTCGTCCAGGCTGGAGTCCAATGCTGCGATCTTGGAT[C>T]ACTGCAACCTCTGCCTGCTGGGTTTAAGCGATTCTCATGCCTCAGCCTCCTGAGTAGCTG-3'

ClinVar aggregate classification (germline): Uncertain significance (1 of 4 stars; one submission).

gnomAD v4.1: 10 of 418,868 alleles (0.0024%); highest among the groups gnomAD compares: Non-Finnish European, 0.0046%; no homozygotes.

Submission:

CeGaT Center for Human Genetics Tuebingen
Classification: Uncertain significance. Last evaluated: 2025-08-01. Review status: criteria provided, single submitter. Criteria: CeGaT Center For Human Genetics Tuebingen Variant Classification Criteria Version 2. Collection method: clinical testing. Allele origin: germline. Affected: yes. Observed: 1 variant allele.
Comment: TSEN2: PM2, BP4